The following is an entry in ClinVar:

ClinVar aggregate classification (germline): Likely benign. Review status: criteria provided, multiple submitters, no conflicts (2 of 4 stars). 5 submissions from 5 submitters: Likely benign (5). Last evaluated 2026-02-02.

Conditions:
Spermatogenic failure 18. Identifiers: MedGen C4539783, MONDO:0054615, OMIM 617576.
Ciliary dyskinesia, primary, 37 (CILD37). Also called: CILIARY DYSKINESIA, PRIMARY, 37, WITH OR WITHOUT SITUS INVERSUS. Identifiers: MedGen C4539798, MONDO:0033204, OMIM 617577.

Allele frequency attached by ClinVar (database versions not stated): 1000 Genomes Project 0.00060; 1000 Genomes Project 30x 0.00062; ExAC 0.00183; gnomAD exomes 0.00207 and 0.00388; gnomAD 0.00214 and 0.00241; TOPMed 0.00255; ESP Exome Variant Server 0.00294.
gnomAD v4.1: 6,054 of 1,611,914 alleles (0.38%); highest among the groups gnomAD compares: Non-Finnish European, 0.46%; 21 homozygotes.

Submissions (13):

Labcorp Genetics (formerly Invitae), Labcorp
Classification: Likely benign for Ciliary dyskinesia, primary, 37; Spermatogenic failure 18. Last evaluated: 2026-02-02. Review status: criteria provided, single submitter. Criteria: Invitae Variant Classification Sherloc (09022015). Collection method: clinical testing. Allele origin: germline.

Blueprint Genetics
Classification: Likely benign. Last evaluated: 2024-11-26. Review status: criteria provided, single submitter. Criteria: ACMG Guidelines, 2015. Collection method: clinical testing. Allele origin: germline.

CeGaT Center for Human Genetics Tuebingen
Classification: Likely benign. Last evaluated: 2023-11-01. Review status: criteria provided, single submitter. Criteria: CeGaT Center For Human Genetics Tuebingen Variant Classification Criteria Version 2. Collection method: clinical testing. Allele origin: germline. Affected: yes. Observed: 1 variant allele.
Comment: DNAH1: BP4, BS2

ARUP Laboratories, Molecular Genetics and Genomics, ARUP Laboratories
Classification: Likely benign. Last evaluated: 2023-10-06. Review status: criteria provided, single submitter. Criteria: ARUP Molecular Germline Variant Investigation Process 2024. Collection method: clinical testing. Allele origin: germline.

Breakthrough Genomics
Classification: Likely benign. Review status: criteria provided, single submitter. Criteria: ACMG Guidelines, 2015. Collection method: not provided. Allele origin: germline. Inheritance: Autosomal recessive inheritance. Affected: yes.

Dr. Peter K. Rogan Lab, Western University
No classification provided (evidence only). Condition: Clear cell carcinoma of kidney. Review status: no classification provided. Collection method: in vitro. Allele origin: not applicable. Functional consequence: skipped exon, retained intron. Not counted in ClinVar's aggregate classification.

Dr. Peter K. Rogan Lab, Western University
No classification provided (evidence only). Condition: Familial cancer of breast. Review status: no classification provided. Collection method: in vitro. Allele origin: not applicable. Functional consequence: skipped exon. Not counted in ClinVar's aggregate classification.

Dr. Peter K. Rogan Lab, Western University
No classification provided (evidence only). Condition: Acute myeloid leukemia. Review status: no classification provided. Collection method: in vitro. Allele origin: not applicable. Functional consequence: retained intron. Not counted in ClinVar's aggregate classification.

Dr. Peter K. Rogan Lab, Western University
No classification provided (evidence only). Condition: Thyroid cancer, nonmedullary, 1. Review status: no classification provided. Collection method: in vitro. Allele origin: not applicable. Functional consequence: retained intron. Not counted in ClinVar's aggregate classification.

Dr. Peter K. Rogan Lab, Western University
No classification provided (evidence only). Condition: Thyroid cancer, nonmedullary, 1. Review status: no classification provided. Collection method: in vitro. Allele origin: not applicable. Functional consequence: retained intron. Not counted in ClinVar's aggregate classification.

Dr. Peter K. Rogan Lab, Western University
No classification provided (evidence only). Condition: Adrenocortical carcinoma, hereditary. Review status: no classification provided. Collection method: in vitro. Allele origin: not applicable. Functional consequence: retained intron. Not counted in ClinVar's aggregate classification.

Dr. Peter K. Rogan Lab, Western University
No classification provided (evidence only). Condition: Adrenocortical carcinoma, hereditary. Review status: no classification provided. Collection method: in vitro. Allele origin: not applicable. Functional consequence: retained intron. Not counted in ClinVar's aggregate classification.

Dr. Peter K. Rogan Lab, Western University
No classification provided (evidence only). Condition: Chronic lymphocytic leukemia/small lymphocytic lymphoma. Review status: no classification provided. Collection method: in vitro. Allele origin: not applicable. Functional consequence: retained intron. Not counted in ClinVar's aggregate classification.

NM_015512.5(DNAH1):c.7193G>A (p.Arg2398His)

Gene: DNAH1 (dynein axonemal heavy chain 1; plus strand). Cytogenetic location: 3p21.1.
Variant type: single nucleotide variant.
Coding change: c.7193G>A on transcript NM_015512.5 (MANE Select); coding-DNA position 7193, G replaced by A.
Protein change: p.Arg2398His; replaces arginine 2398 with histidine.
Molecular consequence: missense variant.
Genome position (GRCh38, 1-based): chr3:52,375,988, G>A. VCF-style: chr3-52375988-G-A. GRCh37 (hg19) VCF-style: chr3-52410004-G-A.
Other names: short protein forms R2398H.
Identifiers: ClinVar variation 478488 (VCV000478488.39), dbSNP rs201299120, ClinGen allele CA2434798.
Genomic context (GRCh38, chr3:52,375,988, plus strand): 5'-CCCCGTGTTTCTCCCTCCATCCTCTAGATGGACTCCTTGGAGAAAAAAGCTACCGGGAGC[G>A]TGTGCGTAAGTGTGGGCCTGGGCGGGAATGGGGCACTGGTTCCAGGAGGAGCCCTGGGCT-3'
Protein context (NP_056327.4, residues 2388-2408): GLLGEKSYRE[Arg2398His]VPGAPHIAHF